The following is an entry in ClinVar:

ClinVar aggregate classification (germline): Uncertain significance. Review status: criteria provided, multiple submitters, no conflicts (2 of 4 stars). 3 submissions from 3 submitters: Uncertain significance (3). Last evaluated 2025-11-23.

Conditions:
Hereditary cancer-predisposing syndrome. Also called: Neoplastic Syndromes, Hereditary; Tumor predisposition; Hereditary neoplastic syndrome; Hereditary Cancer Syndrome. Identifiers: Orphanet 140162, MedGen C0027672, MeSH D009386, MONDO:0015356.
Hereditary breast ovarian cancer syndrome. Also called: Hereditary breast and ovarian cancer; Hereditary breast and ovarian cancer syndrome (HBOC); Hereditary breast and/or ovarian cancer syndrome; BRCA1- and BRCA2-Associated Hereditary Breast and Ovarian Cancer; Breast and ovarian cancer; Hereditary breast and ovarian cancer syndrome. Identifiers: Orphanet 145, MedGen C0677776, MeSH D061325, MONDO:0003582. Disease mechanism: loss of function.
Breast-ovarian cancer, familial, susceptibility to, 2 (BROVCA2). Also called: BRCA2 Hereditary Breast and Ovarian Cancer. Identifiers: Orphanet 145, MedGen C2675520, MONDO:0012933, OMIM 612555. Disease mechanism: loss of function.

Submissions (3):

Dasa
Classification: Uncertain significance for Breast-ovarian cancer, familial, susceptibility to, 2. Last evaluated: 2025-11-23. Review status: criteria provided, single submitter. Criteria: DASA Assertion Criteria. Collection method: clinical testing. Allele origin: germline.
Comment: NM_000059.4(BRCA2):c.628A>T (p.Ile210Leu) is a missense variant that results in the substitution of isoleucine with leucine. This variant is absent from population databases. The currently available literature and clinical evidence are not sufficient to establish a definitive association between this variant and the reported condition. Therefore, this variant is classified as a variant of uncertain significance.

Ambry Genetics
Classification: Uncertain significance for Hereditary cancer-predisposing syndrome. Last evaluated: 2025-06-12. Review status: criteria provided, single submitter. Criteria: Ambry Variant Classification Scheme 2023. Collection method: clinical testing. Allele origin: germline.
Comment: The p.I210L variant (also known as c.628A>T), located in coding exon 6 of the BRCA2 gene, results from an A to T substitution at nucleotide position 628. The isoleucine at codon 210 is replaced by leucine, an amino acid with highly similar properties. This amino acid position is highly conserved in available vertebrate species. In addition, this alteration is predicted to be tolerated by in silico analysis. Since supporting evidence is limited at this time, the clinical significance of this alteration remains unclear.

Labcorp Genetics (formerly Invitae), Labcorp
Classification: Uncertain significance for Hereditary breast ovarian cancer syndrome. Last evaluated: 2022-07-18. Review status: criteria provided, single submitter. Criteria: Invitae Variant Classification Sherloc (09022015). Collection method: clinical testing. Allele origin: germline.
Comment: This sequence change replaces isoleucine, which is neutral and non-polar, with leucine, which is neutral and non-polar, at codon 210 of the BRCA2 protein (p.Ile210Leu). In summary, the available evidence is currently insufficient to determine the role of this variant in disease. Therefore, it has been classified as a Variant of Uncertain Significance. Advanced modeling of protein sequence and biophysical properties (such as structural, functional, and spatial information, amino acid conservation, physicochemical variation, residue mobility, and thermodynamic stability) performed at Invitae indicates that this missense variant is not expected to disrupt BRCA2 protein function. ClinVar contains an entry for this variant (Variation ID: 462402). This variant has not been reported in the literature in individuals affected with BRCA2-related conditions. This variant is not present in population databases (gnomAD no frequency).

NM_000059.4(BRCA2):c.628A>T (p.Ile210Leu)

Gene: BRCA2 (BRCA2 DNA repair associated; plus strand). Cytogenetic location: 13q13.1.
Variant type: single nucleotide variant.
Coding change: c.628A>T on transcript NM_000059.4 (MANE Select); coding-DNA position 628, A replaced by T.
Protein change: p.Ile210Leu; replaces isoleucine 210 with leucine.
Molecular consequence: missense variant.
Genome position (GRCh38, 1-based): chr13:32,326,610, A>T. VCF-style: chr13-32326610-A-T. GRCh37 (hg19) VCF-style: chr13-32900747-A-T.
Other names: short protein forms I210L.
Identifiers: ClinVar variation 462402 (VCV000462402.14), dbSNP rs1555281106, ClinGen allele CA387758432.